The following is an entry in ClinVar:

ClinVar aggregate classification (germline): Uncertain significance (1 of 4 stars; one submission).

Allele frequency attached by ClinVar (database versions not stated): gnomAD exomes below 0.00001.
gnomAD v4.1: 3 of 1,613,926 alleles (0.00019%); highest among the groups gnomAD compares: Non-Finnish European, 0.000085%; no homozygotes.

Submission:

CeGaT Center for Human Genetics Tuebingen
Classification: Uncertain significance. Last evaluated: 2024-03-01. Review status: criteria provided, single submitter. Criteria: CeGaT Center For Human Genetics Tuebingen Variant Classification Criteria Version 2. Collection method: clinical testing. Allele origin: germline. Affected: yes. Observed: 1 variant allele.
Comment: DST: PM2

NM_001374736.1(DST):c.16627A>T (p.Ile5543Phe)

Gene: DST (dystonin; minus strand). Cytogenetic location: 6p12.1.
Variant type: single nucleotide variant.
Coding change: c.16627A>T on transcript NM_001374736.1 (MANE Select); coding-DNA position 16627, A replaced by T.
Protein change: p.Ile5543Phe; replaces isoleucine 5543 with phenylalanine.
Molecular consequence: missense variant.
Genome position (GRCh38, 1-based): chr6:56,536,922, T>A on the plus strand (A>T on the coding strand, the complement: DST is on the minus strand). VCF-style: chr6-56536922-T-A. GRCh37 (hg19) VCF-style: chr6-56401720-T-A.
Other names: c.10270A>T, p.Ile3424Phe (NM_001144769.5); c.9856A>T, p.Ile3286Phe (NM_001144770.2); c.16627A>T, p.Ile5543Phe (NM_001374722.1); c.15994A>T, p.Ile5332Phe (NM_001374729.1); c.9736A>T, p.Ile3246Phe (NM_001374730.1, NM_001386100.1, NM_183380.4); c.16654A>T, p.Ile5552Phe (NM_001374734.1); c.8758A>T, p.Ile2920Phe (NM_015548.5); short protein forms I2920F, I3246F, I3286F, I3424F, I5332F, I5543F, I5552F.
Identifiers: ClinVar variation 3067692 (VCV003067692.21), dbSNP rs1315819056, ClinGen allele CA364511664.